The following is an entry in ClinVar:

NM_001367561.1(DOCK7):c.2594C>T (p.Pro865Leu)

Gene: DOCK7 (dedicator of cytokinesis 7; minus strand). Cytogenetic location: 1p31.3.
Variant type: single nucleotide variant.
Coding change: c.2594C>T on transcript NM_001367561.1 (MANE Select); coding-DNA position 2594, C replaced by T.
Protein change: p.Pro865Leu; replaces proline 865 with leucine.
Molecular consequence: missense variant.
Genome position (GRCh38, 1-based): chr1:62,555,827, G>A on the plus strand (C>T on the coding strand, the complement: DOCK7 is on the minus strand). VCF-style: chr1-62555827-G-A. GRCh37 (hg19) VCF-style: chr1-63021498-G-A.
Other names: c.2594C>T, p.Pro865Leu (NM_001271999.2, NM_001272000.2, NM_001272001.2 and 2 more transcripts); short protein forms P865L.
Identifiers: ClinVar variation 1063763 (VCV001063763.6), dbSNP rs1434595112, ClinGen allele CA340622925.

ClinVar aggregate classification (germline): Uncertain significance (1 of 4 stars; one submission).

Conditions:
Developmental and epileptic encephalopathy, 23 (DEE23). Also called: Epileptic encephalopathy, early infantile, 23. Identifiers: Orphanet 411986, MedGen C4014492, MONDO:0014371, OMIM 615859.

gnomAD v4.1: 1 of 1,607,140 alleles (0.000062%); highest among the groups gnomAD compares: Non-Finnish European, 0.000085%; no homozygotes.

Submission:

Labcorp Genetics (formerly Invitae), Labcorp
Classification: Uncertain significance for Developmental and epileptic encephalopathy, 23. Last evaluated: 2022-03-23. Review status: criteria provided, single submitter. Criteria: Invitae Variant Classification Sherloc (09022015). Collection method: clinical testing. Allele origin: germline.
Comment: This sequence change replaces proline, which is neutral and non-polar, with leucine, which is neutral and non-polar, at codon 865 of the DOCK7 protein (p.Pro865Leu). This variant is not present in population databases (gnomAD no frequency). This variant has not been reported in the literature in individuals affected with DOCK7-related conditions. ClinVar contains an entry for this variant (Variation ID: 1063763). Algorithms developed to predict the effect of missense changes on protein structure and function are either unavailable or do not agree on the potential impact of this missense change (SIFT: "Deleterious"; PolyPhen-2: "Benign"; Align-GVGD: "Class C0"). Algorithms developed to predict the effect of sequence changes on RNA splicing suggest that this variant may disrupt the consensus splice site. In summary, the available evidence is currently insufficient to determine the role of this variant in disease. Therefore, it has been classified as a Variant of Uncertain Significance.